The following is an entry in ClinVar:

ClinVar aggregate classification (germline): Uncertain significance (1 of 4 stars; one submission).

Conditions:
Mowat-Wilson syndrome (MOWS). Also called: Classic Mowat-Wilson Syndrome. Identifiers: Orphanet 2152, MedGen C1856113, MONDO:0009341, OMIM 235730.

Submission:

Labcorp Genetics (formerly Invitae), Labcorp
Classification: Uncertain significance for Mowat-Wilson syndrome. Last evaluated: 2023-05-28. Review status: criteria provided, single submitter. Criteria: Invitae Variant Classification Sherloc (09022015). Collection method: clinical testing. Allele origin: germline.
Comment: In summary, the available evidence is currently insufficient to determine the role of this variant in disease. Therefore, it has been classified as a Variant of Uncertain Significance. Advanced modeling of protein sequence and biophysical properties (such as structural, functional, and spatial information, amino acid conservation, physicochemical variation, residue mobility, and thermodynamic stability) performed at Invitae indicates that this missense variant is not expected to disrupt ZEB2 protein function. This variant has not been reported in the literature in individuals affected with ZEB2-related conditions. This variant is not present in population databases (gnomAD no frequency). This sequence change replaces phenylalanine, which is neutral and non-polar, with valine, which is neutral and non-polar, at codon 628 of the ZEB2 protein (p.Phe628Val).

NM_014795.4(ZEB2):c.1882T>G (p.Phe628Val)

Gene: ZEB2 (zinc finger E-box binding homeobox 2; minus strand). Cytogenetic location: 2q22.3.
Variant type: single nucleotide variant.
Coding change: c.1882T>G on transcript NM_014795.4 (MANE Select); coding-DNA position 1882, T replaced by G.
Protein change: p.Phe628Val; replaces phenylalanine 628 with valine.
Molecular consequence: missense variant.
Genome position (GRCh38, 1-based): chr2:144,399,305, A>C on the plus strand (T>G on the coding strand, the complement: ZEB2 is on the minus strand). VCF-style: chr2-144399305-A-C. GRCh37 (hg19) VCF-style: chr2-145156872-A-C.
Other names: c.1810T>G, p.Phe604Val (NM_001171653.2); short protein forms F604V, F628V.
Identifiers: ClinVar variation 2745302 (VCV002745302.3), dbSNP rs2549106416, ClinGen allele CA348709866.